The following is an entry in ClinVar:

NM_000492.4(CFTR):c.2679G>T (p.Gly893=)

Gene: CFTR (CF transmembrane conductance regulator; plus strand). Cytogenetic location: 7q31.2.
Variant type: single nucleotide variant.
Coding change: c.2679G>T on transcript NM_000492.4 (MANE Select); coding-DNA position 2679, G replaced by T.
Protein change: p.Gly893=; no amino-acid change (glycine 893 retained).
Molecular consequence: synonymous variant.
Genome position (GRCh38, 1-based): chr7:117,603,553, G>T. VCF-style: chr7-117603553-G-T. GRCh37 (hg19) VCF-style: chr7-117243607-G-T.
Other names: 2811G/T.
Identifiers: ClinVar variation 53542 (VCV000053542.20), dbSNP rs397508419, ClinGen allele CA326886.
Genomic context (GRCh38, chr7:117,603,553, plus strand): 5'-CTTTGGCTGCCAAATAACGATTTCCTATTTGCTTTACAGCACTCCTCTTCAAGACAAAGG[G>T]AATAGTACTCATAGTAGAAATAACAGCTATGCAGTGATTATCACCAGCACCAGTTCGTAT-3'
Protein context (NP_000483.3, residues 883-903): LLGNTPLQDK[Gly893=]NSTHSRNNSY

ClinVar aggregate classification (germline): Conflicting classifications of pathogenicity. Review status: criteria provided, conflicting classifications (1 of 4 stars). 8 submissions from 8 submitters: Pathogenic (1); Likely pathogenic (4); Uncertain significance (3). Last evaluated 2026-03-23.

Conditions:
Bronchiectasis with or without elevated sweat chloride 1 (BESC1). Also called: Cystic Fibrosis-Like Syndrome. Identifiers: Orphanet 60033, MedGen C2749757, MONDO:0008887, OMIM 211400.
Hereditary pancreatitis (PCTT). Also called: PRSS1-Related Hereditary Pancreatitis; Hereditary chronic pancreatitis. Identifiers: Orphanet 676, MedGen C0238339, MONDO:0008185, OMIM 167800.
Cystic fibrosis (CF). Also called: MUCOVISCIDOSIS. Identifiers: Orphanet 586, MedGen C0010674, MONDO:0009061, OMIM 219700. Disease mechanism: loss of function.
Congenital bilateral aplasia of vas deferens from CFTR mutation (CBAVD). Identifiers: Orphanet 48, MedGen C0403814, MONDO:0010178, OMIM 277180. Disease mechanism: loss of function.

Allele frequency attached by ClinVar (database versions not stated): gnomAD exomes 0.00001; TOPMed below 0.00001; gnomAD 0.00001.
gnomAD v4.1: 5 of 1,613,766 alleles (0.00031%); highest among the groups gnomAD compares: Non-Finnish European, 0.00042%; no homozygotes.

Submissions (8):

Ambry Genetics
Classification: Uncertain significance for Cystic fibrosis. Last evaluated: 2026-03-23. Review status: criteria provided, single submitter. Criteria: Ambry Variant Classification Scheme 2023. Collection method: clinical testing. Allele origin: germline.
Comment: The c.2679G>T variant (also known as p.G893G), located in coding exon 17 of the CFTR gene, results from a G to T substitution at nucleotide position 2679. This nucleotide substitution does not change the amino acid at codon 893. Functional studies indicate that utilization of this cryptic donor site results in aberrant splicing, producing a protein lacking 76 amino acids from exon 17. Additionally, this variant was reported in the same publication in an individual with non-classic CF symptoms in conjunction with deltaF508; however, specific clinical information or the phase of the alterations was not provided (Groman JD et al. N Engl J Med. 2002;347(6):401-7). This nucleotide position is not well conserved in available vertebrate species. In silico splice site analysis predicts that this alteration may result in the creation or strengthening of a novel splice donor site. Based on the available evidence, the clinical significance of this variant remains unclear.

Fulgent Genetics
Classification: Likely pathogenic for Hereditary pancreatitis; Bronchiectasis with or without elevated sweat chloride 1; Cystic fibrosis; Congenital bilateral aplasia of vas deferens from CFTR mutation. Last evaluated: 2024-04-29. Review status: criteria provided, single submitter. Criteria: ACMG Guidelines, 2015. Collection method: clinical testing. Allele origin: germline.

Women's Health and Genetics/Laboratory Corporation of America, LabCorp
Classification: Likely pathogenic for Cystic fibrosis. Last evaluated: 2024-04-24. Review status: criteria provided, single submitter. Criteria: LabCorp Variant Classification Summary - May 2015. Collection method: clinical testing. Allele origin: germline.
Comment: Variant summary: CFTR c.2679G>T alters a conserved nucleotide resulting in a synonymous change. Several computational tools predict a significant impact on normal splicing: Three predict the variant creates a 5' donor site. At least one publication reports experimental evidence showing the variant results in a shortened mRNA product with an in-frame loss of 76 amino acids from exon 15 (e.g. Faa'_2010). The variant allele was found at a frequency of 8e-06 in 251266 control chromosomes. c.2679G>T (legacy name c.2811G>T) has been reported in the literature in multiple compound heterozygote individuals affected with mild Cystic Fibrosis, non-classical cystic fibrosis, or CBAVD (e.g. Faa'_2010, Groman_2002, Guiliani_2010). These data indicate that the variant may be associated with disease. The following publications have been ascertained in the context of this evaluation (PMID: 20190016, 12167682, 20657600). ClinVar contains an entry for this variant (Variation ID: 53542). Based on the evidence outlined above, the variant was classified as likely pathogenic.

Labcorp Genetics (formerly Invitae), Labcorp
Classification: Pathogenic for Cystic fibrosis. Last evaluated: 2023-05-12. Review status: criteria provided, single submitter. Criteria: Invitae Variant Classification Sherloc (09022015). Collection method: clinical testing. Allele origin: germline.
Comment: Studies have shown that this variant is associated with altered splicing resulting in unknown protein product impact (PMID: 20190016). For these reasons, this variant has been classified as Pathogenic. ClinVar contains an entry for this variant (Variation ID: 53542). This variant is also known as 2811G>T. This variant has been observed in individual(s) with CFTR-related conditions (PMID: 12167682, 20190016, 20657600). In at least one individual the data is consistent with being in trans (on the opposite chromosome) from a pathogenic variant. This variant is present in population databases (rs397508419, gnomAD 0.003%). This sequence change affects codon 893 of the CFTR mRNA. It is a 'silent' change, meaning that it does not change the encoded amino acid sequence of the CFTR protein.

Institute of Human Genetics, University of Leipzig Medical Center
Classification: Likely pathogenic for Cystic fibrosis. Last evaluated: 2022-09-05. Review status: criteria provided, single submitter. Criteria: ACMG Guidelines, 2015. Collection method: curation. Allele origin: unknown. Affected: yes. Observed: 2 variant alleles.
Comment: This variant was identified in 2 unrelated patients with a clinically confirmed diagnosis of cystic fibrosis. The variant was classified in the context of a project re-classifying variants in the German Cystic Fibrosis Registry (Muko.e.V.). Criteria applied: PS3_MOD, PM2_SUP, PM3, PP3, PP4

Genome-Nilou Lab
Classification: Uncertain significance for Cystic fibrosis. Last evaluated: 2021-07-22. Review status: criteria provided, single submitter. Criteria: ACMG Guidelines, 2015. Collection method: clinical testing. Allele origin: germline. Affected: no.

Johns Hopkins Genomics, Johns Hopkins University
Classification: Uncertain significance for Cystic fibrosis. Last evaluated: 2020-03-09. Review status: criteria provided, single submitter. Criteria: ACMG Guidelines, 2015. Collection method: clinical testing. Allele origin: germline.
Comment: CFTR c.2679G>T has been identified in patients with features of cystic fibrosis3. A single ClinVar submitter classifies this synonymous variant as likely pathogenic. This CFTR variant (rs397508419) is rare (<0.1%) in a large population dataset (gnomAD: 3/282672 total alleles; 0.0011%; no homozygotes). Bioinformatic analysis predicts that this variant would create a cryptic exon 17 (legacy exon 15) splice donor site. Functional studies indicate that the use of this cryptic donor site produces a misspliced mRNA that is predicted to result in a protein lacking 76 amino acids from exon 17, however the amount of this aberrantly spliced mRNA has not been quantified. Due to insufficient evidence about the functional consequence of this variant, we consider the clinical significance of c.2679G>T to be uncertain at this time.

ARUP Laboratories, Molecular Genetics and Genomics, ARUP Laboratories
Classification: Likely pathogenic. Last evaluated: 2018-07-19. Review status: criteria provided, single submitter. Criteria: ARUP Molecular Germline Variant Investigation Process. Collection method: clinical testing. Allele origin: germline.
Comment: The CFTR c.2679G>T; p.Gly893Gly variant (rs397508419), also called c.2811G>T, is reported in the literature in two individuals mildly affected with cystic fibrosis, both of whom carried a second pathogenic CFTR variant (Faa' 2010, Groman 2002). This is a synonymous variant in a weakly conserved nucleotide, but computational analyses (Alamut v.2.11) predict that this variant may impact splicing by creating a novel cryptic donor splice site. Analyses of c.2679G>T variant mRNAs have confirmed these transcripts are aberrantly spliced, leading to an in-frame deletion of 231 nucleotides at the end of exon 15 (Faa' 2010, Groman 2002). This variant is found in the general population with an overall allele frequency of 0.0012% (3/246030 alleles,) in the Genome Aggregation Database. Based on available information, this variant is considered to be likely pathogenic. References: Faa' V et al. A synonymous mutation in the CFTR gene causes aberrant splicing in an italian patient affected by a mild form of cystic fibrosis. J Mol Diagn. 2010 May;12(3):380-3. Groman JD et al. Variant cystic fibrosis phenotypes in the absence of CFTR mutations. N Engl J Med. 2002 Aug 8;347(6):401-7.

Literature cited by the submitters: PubMed 20190016 (cited by 4 submitters); PubMed 12167682 (cited by 3 submitters); PubMed 20657600 (cited by 3 submitters).